The following is an entry in ClinVar:

NM_006070.6(TFG):c.743A>G (p.Gln248Arg)

Gene: TFG (trafficking from ER to golgi regulator; plus strand). Cytogenetic location: 3q12.2.
Variant type: single nucleotide variant.
Coding change: c.743A>G on transcript NM_006070.6 (MANE Select); coding-DNA position 743, A replaced by G.
Protein change: p.Gln248Arg; replaces glutamine 248 with arginine.
Molecular consequence: missense variant.
Genome position (GRCh38, 1-based): chr3:100,744,854, A>G. VCF-style: chr3-100744854-A-G. GRCh37 (hg19) VCF-style: chr3-100463698-A-G.
Other names: c.743A>G, p.Gln248Arg (NM_001007565.2, NM_001195478.2); c.731A>G, p.Gln244Arg (NM_001195479.2); short protein forms Q248R, Q244R.
Identifiers: ClinVar variation 662929 (VCV000662929.6), dbSNP rs1576379554, ClinGen allele CA353849960.

ClinVar aggregate classification (germline): Uncertain significance (1 of 4 stars; one submission).

Conditions:
Hereditary motor and sensory neuropathy, Okinawa type (HMSNO). Also called: HEREDITARY MOTOR AND SENSORY NEUROPATHY, PROXIMAL TYPE. Identifiers: Orphanet 90117, MedGen C1858338, MONDO:0011468, OMIM 604484.
Hereditary spastic paraplegia 57. Also called: Spastic paraplegia 57, autosomal recessive. Identifiers: Orphanet 431329, MedGen C3714897, MONDO:0014295, OMIM 615658.

Allele frequency attached by ClinVar (database versions not stated): TOPMed below 0.00001.

Submission:

Labcorp Genetics (formerly Invitae), Labcorp
Classification: Uncertain significance for Hereditary motor and sensory neuropathy, Okinawa type; Hereditary spastic paraplegia 57. Last evaluated: 2021-09-02. Review status: criteria provided, single submitter. Criteria: Invitae Variant Classification Sherloc (09022015). Collection method: clinical testing. Allele origin: germline.
Comment: This sequence change replaces glutamine with arginine at codon 248 of the TFG protein (p.Gln248Arg). The glutamine residue is moderately conserved and there is a small physicochemical difference between glutamine and arginine. This variant is not present in population databases (ExAC no frequency). This variant has not been reported in the literature in individuals affected with TFG-related conditions. Algorithms developed to predict the effect of missense changes on protein structure and function (SIFT, PolyPhen-2, Align-GVGD) all suggest that this variant is likely to be tolerated. In summary, the available evidence is currently insufficient to determine the role of this variant in disease. Therefore, it has been classified as a Variant of Uncertain Significance.